The following is an entry in ClinVar:

ClinVar aggregate classification (germline): Uncertain significance (1 of 4 stars; one submission).

Conditions:
MHC class I deficiency. Identifiers: Orphanet 34592, MedGen C6024714, MONDO:0011476.

Allele frequency attached by ClinVar (database versions not stated): ESP Exome Variant Server 0.00015; TOPMed below 0.00001.

Submission:

Labcorp Genetics (formerly Invitae), Labcorp
Classification: Uncertain significance for MHC class I deficiency 1. Last evaluated: 2024-04-25. Review status: criteria provided, single submitter. Criteria: Invitae Variant Classification Sherloc (09022015). Collection method: clinical testing. Allele origin: germline.
Comment: This sequence change replaces serine, which is neutral and polar, with arginine, which is basic and polar, at codon 127 of the TAPBP protein (p.Ser127Arg). This variant is not present in population databases (gnomAD no frequency). This variant has not been reported in the literature in individuals affected with TAPBP-related conditions. ClinVar contains an entry for this variant (Variation ID: 1345575). An algorithm developed to predict the effect of missense changes on protein structure and function (PolyPhen-2) suggests that this variant is likely to be disruptive. In summary, the available evidence is currently insufficient to determine the role of this variant in disease. Therefore, it has been classified as a Variant of Uncertain Significance.

NM_003190.5(TAPBP):c.379A>C (p.Ser127Arg)

Gene: TAPBP (TAP binding protein; minus strand). Cytogenetic location: 6p21.32.
Variant type: single nucleotide variant.
Coding change: c.379A>C on transcript NM_003190.5 (MANE Select); coding-DNA position 379, A replaced by C.
Protein change: p.Ser127Arg; replaces serine 127 with arginine.
Molecular consequence: missense variant. On other transcripts: intron variant (1).
Genome position (GRCh38, 1-based): chr6:33,313,307, T>G on the plus strand (A>C on the coding strand, the complement: TAPBP is on the minus strand). VCF-style: chr6-33313307-T-G. GRCh37 (hg19) VCF-style: chr6-33281084-T-G.
Other names: c.379A>C, p.Ser127Arg (NM_172208.3); c.208+387A>C (NM_172209.3); short protein forms S127R.
Identifiers: ClinVar variation 1345575 (VCV001345575.6), dbSNP rs371858019, ClinGen allele CA137058091.